The following is an entry in ClinVar:

NM_000535.7(PMS2):c.16A>T (p.Ser6Cys)

Gene: PMS2 (PMS1 homolog 2, mismatch repair system component; minus strand). Cytogenetic location: 7p22.1.
Variant type: single nucleotide variant.
Coding change: c.16A>T on transcript NM_000535.7 (MANE Select); coding-DNA position 16, A replaced by T.
Protein change: p.Ser6Cys; replaces serine 6 with cysteine.
Molecular consequence: missense variant. On other transcripts: 5 prime UTR variant (11), non-coding transcript variant (1).
Genome position (GRCh38, 1-based): chr7:6,009,004, T>A on the plus strand (A>T on the coding strand, the complement: PMS2 is on the minus strand). VCF-style: chr7-6009004-T-A. GRCh37 (hg19) VCF-style: chr7-6048635-T-A.
Other names: c.16A>T (NM_000535.5); c.-385A>T (NM_001322003.2, NM_001322013.2); c.-250A>T (NM_001322004.2, NM_001322010.2); c.-580A>T (NM_001322005.2); c.16A>T, p.Ser6Cys (NM_001322006.2, NM_001322014.2); c.-200A>T (NM_001322007.2); c.-60A>T (NM_001322008.2); c.-575A>T (NM_001322009.2); and 3 more; short protein forms S6C.
Identifiers: ClinVar variation 1020223 (VCV001020223.12), dbSNP rs1786254768, ClinGen allele CA366745229.
Genomic context (GRCh38, chr7:6,009,004, plus strand): 5'-TCTCAAAGAGGGCGCGCGAGAGGGGACACCGGAAGACTGCGAGCCCCGCTCACCTCGAGC[T>A]CTCAGCTCGCTCCATGGATGCAACACCCGATCCGCCTCGGGGACTGGGAAAGTTCCCTCC-3'
Protein context (NP_000526.2, residues 1-16): MERAE[Ser6Cys]SSTEPAKAIK

ClinVar aggregate classification (germline): Uncertain significance. Review status: criteria provided, multiple submitters, no conflicts (2 of 4 stars). 2 submissions from 2 submitters: Uncertain significance (2). Last evaluated 2023-07-13.

Conditions:
Hereditary nonpolyposis colorectal neoplasms. Identifiers: MedGen C0009405, MeSH D003123.
Hereditary cancer-predisposing syndrome. Also called: Tumor predisposition; Neoplastic Syndromes, Hereditary; Hereditary neoplastic syndrome; Hereditary Cancer Syndrome. Identifiers: Orphanet 140162, MedGen C0027672, MeSH D009386, MONDO:0015356.

Submissions (2):

Ambry Genetics
Classification: Uncertain significance for Hereditary cancer-predisposing syndrome. Last evaluated: 2023-07-13. Review status: criteria provided, single submitter. Criteria: Ambry Variant Classification Scheme 2023. Collection method: clinical testing. Allele origin: germline.
Comment: The p.S6C variant (also known as c.16A>T), located in coding exon 1 of the PMS2 gene, results from an A to T substitution at nucleotide position 16. The serine at codon 6 is replaced by cysteine, an amino acid with dissimilar properties. This amino acid position is conserved. In addition, the in silico prediction for this alteration is inconclusive. Since supporting evidence is limited at this time, the clinical significance of this alteration remains unclear.

Labcorp Genetics (formerly Invitae), Labcorp
Classification: Uncertain significance for Hereditary nonpolyposis colorectal neoplasms. Last evaluated: 2022-06-22. Review status: criteria provided, single submitter. Criteria: Invitae Variant Classification Sherloc (09022015). Collection method: clinical testing. Allele origin: germline.
Comment: In summary, the available evidence is currently insufficient to determine the role of this variant in disease. Therefore, it has been classified as a Variant of Uncertain Significance. Advanced modeling of protein sequence and biophysical properties (such as structural, functional, and spatial information, amino acid conservation, physicochemical variation, residue mobility, and thermodynamic stability) performed at Invitae indicates that this missense variant is not expected to disrupt PMS2 protein function. ClinVar contains an entry for this variant (Variation ID: 1020223). This variant has not been reported in the literature in individuals affected with PMS2-related conditions. This variant is not present in population databases (gnomAD no frequency). This sequence change replaces serine, which is neutral and polar, with cysteine, which is neutral and slightly polar, at codon 6 of the PMS2 protein (p.Ser6Cys).